The following is an entry in ClinVar:

NM_152327.5(AK7):c.1598A>T (p.Glu533Val)

Gene: AK7 (adenylate kinase 7; plus strand). Cytogenetic location: 14q32.2.
Variant type: single nucleotide variant.
Coding change: c.1598A>T on transcript NM_152327.5 (MANE Select); coding-DNA position 1598, A replaced by T.
Protein change: p.Glu533Val; replaces glutamic acid 533 with valine.
Molecular consequence: missense variant.
Genome position (GRCh38, 1-based): chr14:96,478,507, A>T. VCF-style: chr14-96478507-A-T. GRCh37 (hg19) VCF-style: chr14-96944844-A-T.
Other names: c.1529A>T, p.Glu510Val (NM_001350888.2, NM_001350890.2); c.1520A>T, p.Glu507Val (NM_001350891.2); c.1400A>T, p.Glu467Val (NM_001350892.2); short protein forms E467V, E533V, E507V, E510V.
Identifiers: ClinVar variation 2786054 (VCV002786054.3), dbSNP rs2504643939, ClinGen allele CA390922681.

ClinVar aggregate classification (germline): Uncertain significance (1 of 4 stars; one submission).

Allele frequency attached by ClinVar (database versions not stated): gnomAD exomes below 0.00001.
gnomAD v4.1: 5 of 1,614,164 alleles (0.00031%); highest among the groups gnomAD compares: African/African-American, 0.0013%; no homozygotes.

Submission:

Labcorp Genetics (formerly Invitae), Labcorp
Classification: Uncertain significance. Last evaluated: 2023-03-20. Review status: criteria provided, single submitter. Criteria: Invitae Variant Classification Sherloc (09022015). Collection method: clinical testing. Allele origin: germline.
Comment: This sequence change replaces glutamic acid, which is acidic and polar, with valine, which is neutral and non-polar, at codon 533 of the AK7 protein (p.Glu533Val). This variant is not present in population databases (gnomAD no frequency). This variant has not been reported in the literature in individuals affected with AK7-related conditions. Advanced modeling of protein sequence and biophysical properties (such as structural, functional, and spatial information, amino acid conservation, physicochemical variation, residue mobility, and thermodynamic stability) performed at Invitae indicates that this missense variant is not expected to disrupt AK7 protein function. In summary, the available evidence is currently insufficient to determine the role of this variant in disease. Therefore, it has been classified as a Variant of Uncertain Significance.